The following is an entry in ClinVar:

NM_000422.3(KRT17):c.10T>A (p.Ser4Thr)

Gene: KRT17 (keratin 17; minus strand). Cytogenetic location: 17q21.2.
Variant type: single nucleotide variant.
Coding change: c.10T>A on transcript NM_000422.3 (MANE Select); coding-DNA position 10, T replaced by A.
Protein change: p.Ser4Thr; replaces serine 4 with threonine.
Molecular consequence: missense variant.
Genome position (GRCh38, 1-based): chr17:41,624,500, A>T on the plus strand (T>A on the coding strand, the complement: KRT17 is on the minus strand). VCF-style: chr17-41624500-A-T. GRCh37 (hg19) VCF-style: chr17-39780752-A-T.
Other names: c.10T>A (NM_000422.2); short protein forms S4T.
Identifiers: ClinVar variation 1578541 (VCV001578541.10), dbSNP rs11553458, ClinGen allele CA8563887.
Genomic context (GRCh38, chr17:41,624,500, plus strand): 5'-AGCCGCCCCCCAGGCCGGAGGAGCCCTTGATGGAGCTGGAGGAGGTGAACTGGCGGATGG[A>T]GGTGGTCATGGTGGCGGCGGCAGGAGGCAGGCACACAGGAGAAGGGCTGGAGAGGAGAGG-3'
Protein context (NP_000413.1, residues 1-14): MTT[Ser4Thr]IRQFTSSSSI

ClinVar aggregate classification (germline): Benign. Review status: criteria provided, multiple submitters, no conflicts (2 of 4 stars). 3 submissions from 3 submitters: Benign (2). 1 of the submissions does not count toward it. Last evaluated 2026-02-02.

Conditions:
KRT17-related disorder. Also called: KRT17-related condition.

Allele frequency attached by ClinVar (database versions not stated): gnomAD exomes 0.00600 and 0.01273; ESP Exome Variant Server 0.04488; gnomAD 0.05813 and 0.05438; ExAC 0.01435; TOPMed 0.06223; 1000 Genomes Project 0.05990; 1000 Genomes Project 30x 0.06309.

Submissions (3):

Labcorp Genetics (formerly Invitae), Labcorp
Classification: Benign. Last evaluated: 2026-02-02. Review status: criteria provided, single submitter. Criteria: Invitae Variant Classification Sherloc (09022015). Collection method: clinical testing. Allele origin: germline.

Breakthrough Genomics
Classification: Benign. Review status: criteria provided, single submitter. Criteria: ACMG Guidelines, 2015. Collection method: not provided. Allele origin: germline. Inheritance: Autosomal dominant inheritance. Affected: yes.

PreventionGenetics, part of Exact Sciences
Classification: Benign for KRT17-related condition. Last evaluated: 2024-08-15. Review status: no assertion criteria provided. Collection method: clinical testing. Allele origin: germline. Not counted in ClinVar's aggregate classification.
Comment: This variant is classified as benign based on ACMG/AMP sequence variant interpretation guidelines (Richards et al. 2015 PMID: 25741868, with internal and published modifications).